The following is an entry in ClinVar:

NM_014639.4(SKIC3):c.2801C>T (p.Ala934Val)

Gene: SKIC3 (SKI3 subunit of superkiller complex; minus strand). Cytogenetic location: 5q15.
Variant type: single nucleotide variant.
Coding change: c.2801C>T on transcript NM_014639.4 (MANE Select); coding-DNA position 2801, C replaced by T.
Protein change: p.Ala934Val; replaces alanine 934 with valine.
Molecular consequence: missense variant.
Genome position (GRCh38, 1-based): chr5:95,512,596, G>A on the plus strand (C>T on the coding strand, the complement: SKIC3 is on the minus strand). VCF-style: chr5-95512596-G-A. GRCh37 (hg19) VCF-style: chr5-94848300-G-A.
Other names: short protein forms A934V.
Identifiers: ClinVar variation 1475083 (VCV001475083.6), dbSNP rs748167242, ClinGen allele CA3346945.

ClinVar aggregate classification (germline): Uncertain significance (1 of 4 stars; one submission).

Allele frequency attached by ClinVar (database versions not stated): gnomAD exomes 0.00002; gnomAD 0.00003; TOPMed 0.00003; ExAC 0.00002.
gnomAD v4.1: 35 of 1,613,734 alleles (0.0022%); highest among the groups gnomAD compares: Non-Finnish European, 0.0025%; no homozygotes.

Submission:

Labcorp Genetics (formerly Invitae), Labcorp
Classification: Uncertain significance. Last evaluated: 2024-01-29. Review status: criteria provided, single submitter. Criteria: Invitae Variant Classification Sherloc (09022015). Collection method: clinical testing. Allele origin: germline.
Comment: This sequence change replaces alanine, which is neutral and non-polar, with valine, which is neutral and non-polar, at codon 934 of the TTC37 protein (p.Ala934Val). This variant is present in population databases (rs748167242, gnomAD 0.003%). This variant has not been reported in the literature in individuals affected with TTC37-related conditions. ClinVar contains an entry for this variant (Variation ID: 1475083). An algorithm developed to predict the effect of missense changes on protein structure and function (PolyPhen-2) suggests that this variant is likely to be disruptive. In summary, the available evidence is currently insufficient to determine the role of this variant in disease. Therefore, it has been classified as a Variant of Uncertain Significance.